The following is an entry in ClinVar:

ClinVar aggregate classification (germline): Uncertain significance (1 of 4 stars; one submission).

Conditions:
Aortic valve disease 2 (AOVD2). Identifiers: MedGen C3542024, MONDO:0013902, OMIM 614823.

Allele frequency attached by ClinVar (database versions not stated): gnomAD exomes 0.00001.
gnomAD v4.1: 14 of 1,614,192 alleles (0.00087%); highest among the groups gnomAD compares: Non-Finnish European, 0.0012%; no homozygotes.

Submission:

Labcorp Genetics (formerly Invitae), Labcorp
Classification: Uncertain significance for Aortic valve disease 2. Last evaluated: 2023-10-13. Review status: criteria provided, single submitter. Criteria: Invitae Variant Classification Sherloc (09022015). Collection method: clinical testing. Allele origin: germline.
Comment: This sequence change replaces leucine, which is neutral and non-polar, with proline, which is neutral and non-polar, at codon 244 of the TBX5 protein (p.Leu244Pro). This variant is present in population databases (no rsID available, gnomAD 0.0009%). This variant has not been reported in the literature in individuals affected with TBX5-related conditions. Advanced modeling of protein sequence and biophysical properties (such as structural, functional, and spatial information, amino acid conservation, physicochemical variation, residue mobility, and thermodynamic stability) performed at Invitae indicates that this missense variant is not expected to disrupt TBX5 protein function. In summary, the available evidence is currently insufficient to determine the role of this variant in disease. Therefore, it has been classified as a Variant of Uncertain Significance.

NM_181486.4(TBX5):c.731T>C (p.Leu244Pro)

Gene: TBX5 (T-box transcription factor 5; minus strand). Cytogenetic location: 12q24.21.
Variant type: single nucleotide variant.
Coding change: c.731T>C on transcript NM_181486.4 (MANE Select); coding-DNA position 731, T replaced by C.
Protein change: p.Leu244Pro; replaces leucine 244 with proline.
Molecular consequence: missense variant.
Genome position (GRCh38, 1-based): chr12:114,385,500, A>G on the plus strand (T>C on the coding strand, the complement: TBX5 is on the minus strand). VCF-style: chr12-114385500-A-G. GRCh37 (hg19) VCF-style: chr12-114823305-A-G.
Other names: c.731T>C, p.Leu244Pro (NM_000192.3); c.581T>C, p.Leu194Pro (NM_080717.4); short protein forms L244P, L194P.
Identifiers: ClinVar variation 2814132 (VCV002814132.3), dbSNP rs1021003518, ClinGen allele CA244122010.